The following is an entry in ClinVar:

ClinVar aggregate classification (germline): Likely benign (0 of 4 stars; one submission).

Conditions:
VPS13B-related disorder. Also called: VPS13B-related condition.

gnomAD v4.1: 1 of 1,614,146 alleles (0.000062%); highest among the groups gnomAD compares: Non-Finnish European, 0.000085%; no homozygotes.

Submission:

PreventionGenetics, part of Exact Sciences
Classification: Likely benign for VPS13B-related condition. Last evaluated: 2022-05-26. Review status: no assertion criteria provided. Collection method: clinical testing. Allele origin: germline.
Comment: This variant is classified as likely benign based on ACMG/AMP sequence variant interpretation guidelines (Richards et al. 2015 PMID: 25741868, with internal and published modifications).

NM_152564.5(VPS13B):c.2604T>C (p.Cys868=)

Gene: VPS13B (vacuolar protein sorting 13 homolog B; plus strand). Cytogenetic location: 8q22.2.
Variant type: single nucleotide variant.
Coding change: c.2604T>C on transcript NM_152564.5 (MANE Select); coding-DNA position 2604, T replaced by C.
Protein change: p.Cys868=; no amino-acid change (cysteine 868 retained).
Molecular consequence: synonymous variant.
Genome position (GRCh38, 1-based): chr8:99,274,286, T>C. VCF-style: chr8-99274286-T-C. GRCh37 (hg19) VCF-style: chr8-100286514-T-C.
Other names: c.2604T>C, p.Cys868= (NM_017890.5).
Identifiers: ClinVar variation 3353603 (VCV003353603.1).